The following is an entry in ClinVar:

ClinVar aggregate classification (germline): Uncertain significance (1 of 4 stars; one submission).

Conditions:
Hereditary cancer-predisposing syndrome. Also called: Neoplastic Syndromes, Hereditary; Tumor predisposition; Hereditary Cancer Syndrome; Hereditary neoplastic syndrome. Identifiers: Orphanet 140162, MedGen C0027672, MeSH D009386, MONDO:0015356.

Submission:

Ambry Genetics
Classification: Uncertain significance for Hereditary cancer-predisposing syndrome. Last evaluated: 2025-09-20. Review status: criteria provided, single submitter. Criteria: Ambry Variant Classification Scheme 2023. Collection method: clinical testing. Allele origin: germline.
Comment: The p.H264N variant (also known as c.790C>A), located in coding exon 6 of the POT1 gene, results from a C to A substitution at nucleotide position 790. The histidine at codon 264 is replaced by asparagine, an amino acid with similar properties. This amino acid position is conserved. In addition, this alteration is predicted to be tolerated by in silico analysis. Based on the available evidence, the clinical significance of this variant remains unclear.

NM_015450.3(POT1):c.790C>A (p.His264Asn)

Gene: POT1 (protection of telomeres 1; minus strand). Cytogenetic location: 7q31.33.
Variant type: single nucleotide variant.
Coding change: c.790C>A on transcript NM_015450.3 (MANE Select); coding-DNA position 790, C replaced by A.
Protein change: p.His264Asn; replaces histidine 264 with asparagine.
Molecular consequence: missense variant. On other transcripts: non-coding transcript variant (3).
Genome position (GRCh38, 1-based): chr7:124,853,051, G>T on the plus strand (C>A on the coding strand, the complement: POT1 is on the minus strand). VCF-style: chr7-124853051-G-T. GRCh37 (hg19) VCF-style: chr7-124493105-G-T.
Other names: c.397C>A, p.His133Asn (NM_001042594.2); short protein forms H133N, H264N.
Identifiers: ClinVar variation 4673434 (VCV004673434.1).